The following is an entry in ClinVar:

ClinVar aggregate classification (germline): Uncertain significance. Review status: criteria provided, single submitter (1 of 4 stars). 2 submissions from 2 submitters: Uncertain significance (1). 1 of the submissions does not count toward it. Last evaluated 2026-03-31.

Conditions:
HEMOGLOBIN J (CHICAGO).

Allele frequency attached by ClinVar (database versions not stated): gnomAD exomes below 0.00001; ExAC 0.00001.
gnomAD v4.1: 1 of 1,614,090 alleles (0.000062%); highest among the groups gnomAD compares: Non-Finnish European, 0.000085%; no homozygotes.

Submissions (2):

Women's Health and Genetics/Laboratory Corporation of America, LabCorp
Classification: Uncertain significance. Last evaluated: 2026-03-31. Review status: criteria provided, single submitter. Criteria: LabCorp Variant Classification Summary - May 2015. Collection method: clinical testing. Allele origin: germline.
Comment: Variant summary: HBB c.230C>A (p.Ala77Asp) results in a non-conservative amino acid change in the encoded protein sequence. Algorithms developed to predict the effect of missense changes on protein structure and function are either unavailable or do not agree on the potential impact of this missense change. The variant was absent in 251428 control chromosomes (gnomAD). The available data on variant occurrences in the general population are insufficient to allow any conclusion about variant significance. c.230C>A has been observed in heterozygous individuals affected with iron deficiency anemia without evidence of inclusion bodies or abnormal oxygen affinity (Romain_1975, Arrizabalaga_1998). These reports do not provide unequivocal conclusions about association of the variant with Beta Thalassemia. The following publications have been ascertained in the context of this evaluation (PMID: 9494051, 163659, 39858575). ClinVar contains an entry for this variant (Variation ID: 15217). Based on the evidence outlined above, the variant was classified as uncertain significance.

OMIM
Classification: other for HEMOGLOBIN J (CHICAGO). Last evaluated: 2017-12-12. Review status: no assertion criteria provided. Collection method: literature only. Allele origin: germline. Not counted in ClinVar's aggregate classification.

Literature cited by the submitters: PubMed 9494051 (cited by Women's Health and Genetics/Laboratory Corporation of America, LabCorp and OMIM); PubMed 163659 (cited by Women's Health and Genetics/Laboratory Corporation of America, LabCorp and OMIM); PubMed 39858575 (cited by Women's Health and Genetics/Laboratory Corporation of America, LabCorp).

NM_000518.5(HBB):c.230C>A (p.Ala77Asp)

Genes: HBB (hemoglobin subunit beta; minus strand), LOC106099062 (HBB recombination region; plus strand), LOC107133510 (origin of replication at HBB; plus strand). Cytogenetic location: 11p15.4.
Variant type: single nucleotide variant.
Coding change: c.230C>A on transcript NM_000518.5 (MANE Select); coding-DNA position 230, C replaced by A.
Protein change: p.Ala77Asp; replaces alanine 77 with aspartic acid.
Molecular consequence: missense variant.
Genome position (GRCh38, 1-based): chr11:5,226,662, G>T on the plus strand (C>A on the coding strand, the complement: HBB is on the minus strand). VCF-style: chr11-5226662-G-T. GRCh37 (hg19) VCF-style: chr11-5247892-G-T.
Other names: A76D; short protein forms A77D.
Identifiers: ClinVar variation 15217 (VCV000015217.3), dbSNP rs33985847, ClinGen allele CA124943.